The following is an entry in ClinVar:

ClinVar aggregate classification (germline): Uncertain significance (1 of 4 stars; one submission).

Submission:

Ambry Genetics
Classification: Uncertain significance. Last evaluated: 2021-10-15. Review status: criteria provided, single submitter. Criteria: Ambry Variant Classification Scheme 2023. Collection method: clinical testing. Allele origin: germline.
Comment: The p.E952D variant (also known as c.2856G>C), located in coding exon 25 of the KIF1B gene, results from a G to C substitution at nucleotide position 2856. The glutamic acid at codon 952 is replaced by aspartic acid, an amino acid with highly similar properties. This amino acid position is highly conserved in available vertebrate species. In addition, the in silico prediction for this alteration is inconclusive. Since supporting evidence is limited at this time, the clinical significance of this alteration remains unclear.

NM_001365951.3(KIF1B):c.2994G>C (p.Glu998Asp)

Gene: KIF1B (kinesin family member 1B; plus strand). Cytogenetic location: 1p36.22.
Variant type: single nucleotide variant.
Coding change: c.2994G>C on transcript NM_001365951.3 (MANE Select); coding-DNA position 2994, G replaced by C.
Protein change: p.Glu998Asp; replaces glutamic acid 998 with aspartic acid.
Molecular consequence: missense variant.
Genome position (GRCh38, 1-based): chr1:10,334,589, G>C. VCF-style: chr1-10334589-G-C. GRCh37 (hg19) VCF-style: chr1-10394647-G-C.
Other names: c.2994G>C, p.Glu998Asp (NM_001365952.1); c.2856G>C, p.Glu952Asp (NM_015074.3); short protein forms E998D, E952D.
Identifiers: ClinVar variation 1796890 (VCV001796890.2), dbSNP rs549435425, ClinGen allele CA338338745.